The following is an entry in ClinVar:

ClinVar aggregate classification (germline): Likely pathogenic (1 of 4 stars; one submission).

Conditions:
Ehlers-Danlos syndrome, classic type, 1 (EDSCL1). Also called: EHLERS-DANLOS SYNDROME, GRAVIS TYPE; EHLERS-DANLOS SYNDROME, SEVERE CLASSIC TYPE; Ehlers-Danlos syndrome, type 1; Ehlers-Danlos Syndrome, Classic Type, COL5A1-Related; EDS I. Identifiers: MedGen C0268335, MONDO:0019567, OMIM 130000.
Osteogenesis imperfecta type I (OI1). Also called: OI, TYPE I; OSTEOGENESIS IMPERFECTA TARDA; OSTEOGENESIS IMPERFECTA WITH BLUE SCLERAE; Osteogenesis imperfecta type 1; Lobstein's Disease; Lobstein disease. Identifiers: Orphanet 216796, Orphanet 666, MedGen C0023931, MONDO:0008146, OMIM 166200. Disease mechanism: loss of function.

Submission:

Labcorp Genetics (formerly Invitae), Labcorp
Classification: Likely pathogenic for Osteogenesis imperfecta type I; Ehlers-Danlos syndrome, classic type, 1. Last evaluated: 2024-07-15. Review status: criteria provided, single submitter. Criteria: Invitae Variant Classification Sherloc (09022015). Collection method: clinical testing. Allele origin: germline.
Comment: This sequence change replaces glycine, which is neutral and non-polar, with serine, which is neutral and polar, at codon 1054 of the COL1A2 protein (p.Gly1054Ser). This variant is not present in population databases (gnomAD no frequency). This variant has not been reported in the literature in individuals affected with COL1A2-related conditions. Experimental studies and prediction algorithms are not available or were not evaluated, and the functional significance of this variant is currently unknown. This variant disrupts the triple helix domain of COL1A2. Glycine residues within the Gly-Xaa-Yaa repeats of the triple helix domain are required for the structure and stability of fibrillar collagens (PMID: 7695699, 8218237, 19344236). In COL1A2, variants affecting these glycine residues are significantly enriched in individuals with disease (PMID: 9016532, 17078022) compared to the general population (ExAC). In summary, the currently available evidence indicates that the variant is pathogenic, but additional data are needed to prove that conclusively. Therefore, this variant has been classified as Likely Pathogenic.

Literature cited by the submitters: PubMed 7695699; PubMed 8218237; PubMed 19344236; PubMed 9016532; PubMed 17078022.

NM_000089.4(COL1A2):c.3160G>A (p.Gly1054Ser)

Gene: COL1A2 (collagen type I alpha 2 chain; plus strand). Cytogenetic location: 7q21.3.
Variant type: single nucleotide variant.
Coding change: c.3160G>A on transcript NM_000089.4 (MANE Select); coding-DNA position 3160, G replaced by A.
Protein change: p.Gly1054Ser; replaces glycine 1054 with serine.
Molecular consequence: missense variant.
Genome position (GRCh38, 1-based): chr7:94,427,188, G>A. VCF-style: chr7-94427188-G-A. GRCh37 (hg19) VCF-style: chr7-94056500-G-A.
Other names: short protein forms G1054S.
Identifiers: ClinVar variation 3756494 (VCV003756494.2).